The following is an entry in ClinVar:

ClinVar aggregate classification (germline): Likely benign. Review status: criteria provided, multiple submitters, no conflicts (2 of 4 stars). 4 submissions from 4 submitters: Likely benign (3). 1 of the submissions does not count toward it. Last evaluated 2026-01-06.

Conditions:
RNF31-related disorder. Also called: RNF31-related condition.

Allele frequency attached by ClinVar (database versions not stated): TOPMed 0.00006; gnomAD 0.00007; gnomAD exomes 0.00007 and 0.00012; ExAC 0.00014; ESP Exome Variant Server 0.00016.

Submissions (4):

Labcorp Genetics (formerly Invitae), Labcorp
Classification: Likely benign. Last evaluated: 2026-01-06. Review status: criteria provided, single submitter. Criteria: Invitae Variant Classification Sherloc (09022015). Collection method: clinical testing. Allele origin: germline.

CeGaT Center for Human Genetics Tuebingen
Classification: Likely benign. Last evaluated: 2024-12-01. Review status: criteria provided, single submitter. Criteria: CeGaT Center For Human Genetics Tuebingen Variant Classification Criteria Version 2. Collection method: clinical testing. Allele origin: germline. Affected: yes. Observed: 1 variant allele.
Comment: RNF31: BP4, BP7

Blueprint Genetics
Classification: Likely benign. Last evaluated: 2024-11-04. Review status: criteria provided, single submitter. Criteria: ACMG Guidelines, 2015. Collection method: clinical testing. Allele origin: germline.

PreventionGenetics, part of Exact Sciences
Classification: Likely benign for RNF31-related condition. Last evaluated: 2019-05-31. Review status: no assertion criteria provided. Collection method: clinical testing. Allele origin: germline. Not counted in ClinVar's aggregate classification.
Comment: This variant is classified as likely benign based on ACMG/AMP sequence variant interpretation guidelines (Richards et al. 2015 PMID: 25741868, with internal and published modifications).

NM_017999.5(RNF31):c.2634C>T (p.Tyr878=)

Gene: RNF31 (ring finger protein 31; plus strand). Cytogenetic location: 14q12.
Variant type: single nucleotide variant.
Coding change: c.2634C>T on transcript NM_017999.5 (MANE Select); coding-DNA position 2634, C replaced by T.
Protein change: p.Tyr878=; no amino-acid change (tyrosine 878 retained).
Molecular consequence: synonymous variant.
Genome position (GRCh38, 1-based): chr14:24,157,545, C>T. VCF-style: chr14-24157545-C-T. GRCh37 (hg19) VCF-style: chr14-24626754-C-T.
Other names: c.2181C>T, p.Tyr727= (NM_001310332.2); c.2634C>T (NM_017999.4).
Identifiers: ClinVar variation 1564880 (VCV001564880.24), dbSNP rs200256698, ClinGen allele CA7126129.